The following is an entry in ClinVar:

NC_000016.9:g.(?_56921827)_(56927219_?)dup

Gene: SLC12A3 (solute carrier family 12 member 3; plus strand). Cytogenetic location: 16q13.
Variant type: Duplication.
Identifiers: ClinVar variation 2422925 (VCV002422925.4).

ClinVar aggregate classification (germline): Likely pathogenic (1 of 4 stars; one submission).

Submission:

Labcorp Genetics (formerly Invitae), Labcorp
Classification: Likely pathogenic. Last evaluated: 2022-09-28. Review status: criteria provided, single submitter. Criteria: Invitae Variant Classification Sherloc (09022015). Collection method: clinical testing. Allele origin: germline.
Comment: Experimental studies and prediction algorithms are not available or were not evaluated, and the functional significance of this variant is currently unknown. In summary, the currently available evidence indicates that the variant is pathogenic, but additional data are needed to prove that conclusively. Therefore, this variant has been classified as Likely Pathogenic. This variant has not been reported in the literature in individuals affected with SLC12A3-related conditions. This variant results in a copy number gain of the genomic region encompassing exon(s) 18-21 of the SLC12A3 gene. While the exact position of this variant cannot be determined from the data, sub-genic copy number gains are generally in tandem (PMID: 25640679). This variant is predicted to be out-of-frame, and may result in an absent or disrupted protein product. Loss-of-function variants in SLC12A3 are known to be pathogenic (PMID: 20848653, 22009145, 25841442).

Literature cited by the submitters: PubMed 25640679; PubMed 20848653; PubMed 22009145; PubMed 25841442.